The following is an entry in ClinVar:

ClinVar aggregate classification (germline): Uncertain significance (1 of 4 stars; one submission).

Submission:

Labcorp Genetics (formerly Invitae), Labcorp
Classification: Uncertain significance. Last evaluated: 2025-04-23. Review status: criteria provided, single submitter. Criteria: Invitae Variant Classification Sherloc (09022015). Collection method: clinical testing. Allele origin: germline.
Comment: This variant, c.587_589del, results in the deletion of 1 amino acid(s) of the GABRB1 protein (p.Gly196del), but otherwise preserves the integrity of the reading frame. This variant is not present in population databases (gnomAD no frequency). This variant has not been reported in the literature in individuals affected with GABRB1-related conditions. Experimental studies and prediction algorithms are not available or were not evaluated, and the functional significance of this variant is currently unknown. In summary, the available evidence is currently insufficient to determine the role of this variant in disease. Therefore, it has been classified as a Variant of Uncertain Significance.

NM_000812.4(GABRB1):c.584GAG[1] (p.Gly196del)

Gene: GABRB1 (gamma-aminobutyric acid type A receptor subunit beta1; plus strand). Cytogenetic location: 4p12.
Variant type: Microsatellite.
Coding change: c.584GAG[1] on transcript NM_000812.4 (MANE Select); one copy of the 3-base unit GAG starting at c.584; the reference has two copies in a row; one copy, 3 bases deleted.
Protein change: p.Gly196del; deletes glycine 196.
Genome position (GRCh38, 1-based): chr4:47,403,360-47,403,362, GAG deleted; deleting any 3 consecutive bases within chr4:47,403,356-47,403,362 gives the same sequence; the position shown is the placement nearest the transcript's 3' end. VCF-style (leftmost placement, unchanged base first): chr4-47403355-TGGA-T. GRCh37 (hg19) VCF-style: chr4-47405372-TGGA-T.
Other names: short protein forms G196del.
Identifiers: ClinVar variation 4805964 (VCV004805964.1).